The following is an entry in ClinVar:

ClinVar aggregate classification (germline): Uncertain significance (1 of 4 stars; one submission).

Conditions:
Primary ciliary dyskinesia. Also called: Ciliary dyskinesia. Identifiers: Orphanet 244, MedGen C0008780, MONDO:0016575, HP:0012265.

Allele frequency attached by ClinVar (database versions not stated): gnomAD 0.00001 and 0.00002; gnomAD exomes 0.00004 and 0.00008; ExAC 0.00007; TOPMed 0.00014.
gnomAD v4.1: 57 of 1,596,426 alleles (0.0036%); highest among the groups gnomAD compares: Admixed American, 0.028%; no homozygotes.

Submission:

Labcorp Genetics (formerly Invitae), Labcorp
Classification: Uncertain significance for Primary ciliary dyskinesia. Last evaluated: 2022-07-19. Review status: criteria provided, single submitter. Criteria: Invitae Variant Classification Sherloc (09022015). Collection method: clinical testing. Allele origin: germline.
Comment: This sequence change replaces arginine, which is basic and polar, with tryptophan, which is neutral and slightly polar, at codon 4325 of the DNAH8 protein (p.Arg4325Trp). This variant is present in population databases (rs201329381, gnomAD 0.06%). This variant has not been reported in the literature in individuals affected with DNAH8-related conditions. ClinVar contains an entry for this variant (Variation ID: 525455). Algorithms developed to predict the effect of missense changes on protein structure and function are either unavailable or do not agree on the potential impact of this missense change (SIFT: "Deleterious"; PolyPhen-2: "Not Available"; Align-GVGD: "Class C0"). In summary, the available evidence is currently insufficient to determine the role of this variant in disease. Therefore, it has been classified as a Variant of Uncertain Significance.

NM_001206927.2(DNAH8):c.12973C>T (p.Arg4325Trp)

Gene: DNAH8 (dynein axonemal heavy chain 8; plus strand). Cytogenetic location: 6p21.2.
Variant type: single nucleotide variant.
Coding change: c.12973C>T on transcript NM_001206927.2 (MANE Select); coding-DNA position 12973, C replaced by T.
Protein change: p.Arg4325Trp; replaces arginine 4325 with tryptophan.
Molecular consequence: missense variant.
Genome position (GRCh38, 1-based): chr6:38,984,227, C>T. VCF-style: chr6-38984227-C-T. GRCh37 (hg19) VCF-style: chr6-38952003-C-T.
Other names: c.12322C>T, p.Arg4108Trp (NM_001371.4); short protein forms R4325W, R4108W.
Identifiers: ClinVar variation 525455 (VCV000525455.6), dbSNP rs201329381, ClinGen allele CA3791523.